The following is an entry in ClinVar:

ClinVar aggregate classification (germline): Uncertain significance (1 of 4 stars; one submission).

Submission:

Dasa
Classification: Uncertain significance. Last evaluated: 2024-06-07. Review status: criteria provided, single submitter. Criteria: DASA Assertion Criteria. Collection method: clinical testing. Allele origin: germline.
Comment: NM_000875.5(IGF1R):c.235A>G (p.Thr79Ala) is a missense variant that results in the substitution of threonine with alanine. This variant is rare in population databases. Computational prediction algorithms are consistent with a deleterious effect. The currently available literature and clinical evidence are not sufficient to establish a definitive association between this variant and the reported condition. Therefore, this variant is classified as a variant of uncertain significance.

NM_000875.5(IGF1R):c.235A>G (p.Thr79Ala)

Gene: IGF1R (insulin like growth factor 1 receptor; plus strand). Cytogenetic location: 15q26.3.
Variant type: single nucleotide variant.
Coding change: c.235A>G on transcript NM_000875.5 (MANE Select); coding-DNA position 235, A replaced by G.
Protein change: p.Thr79Ala; replaces threonine 79 with alanine.
Molecular consequence: missense variant.
Genome position (GRCh38, 1-based): chr15:98,707,702, A>G. VCF-style: chr15-98707702-A-G. GRCh37 (hg19) VCF-style: chr15-99250931-A-G.
Other names: c.235A>G, p.Thr79Ala (NM_001291858.2); short protein forms T79A.
Identifiers: ClinVar variation 4883101 (VCV004883101.2).